The following is an entry in ClinVar:

NM_139058.3(ARX):c.188C>T (p.Ala63Val)

Gene: ARX (aristaless related homeobox; minus strand). Cytogenetic location: Xp21.3.
Variant type: single nucleotide variant.
Coding change: c.188C>T on transcript NM_139058.3 (MANE Select); coding-DNA position 188, C replaced by T.
Protein change: p.Ala63Val; replaces alanine 63 with valine.
Molecular consequence: missense variant.
Genome position (GRCh38, 1-based): chrX:25,015,550, G>A on the plus strand (C>T on the coding strand, the complement: ARX is on the minus strand). VCF-style: chrX-25015550-G-A. GRCh37 (hg19) VCF-style: chrX-25033667-G-A.
Other names: short protein forms A63V.
Identifiers: ClinVar variation 2926653 (VCV002926653.3), dbSNP rs866873141, ClinGen allele CA327733196.
Genomic context (GRCh38, chrX:25,015,550, plus strand): 5'-TCCAAATCAGGGCCCAATGCCCTTAGTAAGTGCCTGACGGGAGCATCCTTACCTTGCACG[G>A]CCTTTTCCGGGTCGGCGCGGCTGGTCAGCGGAGCAGGCAAGCTCTGCGCGGCTCCCAGCA-3'
Protein context (NP_620689.1, residues 53-73): PLTSRADPEK[Ala63Val]VQGSPKSSSA

ClinVar aggregate classification (germline): Uncertain significance (1 of 4 stars; one submission).

Conditions:
Developmental and epileptic encephalopathy, 1 (DEE1). Also called: INFANTILE SPASM SYNDROME, X-LINKED 1; X-linked infantile spasms; West's syndrome; Tonic spasms with clustering, arrest of psychomotor development and hypsarrhythmia on EEG; X-Linked Infantile Spasm Syndrome; OHTAHARA SYNDROME, X-LINKED. Identifiers: MedGen C3463992, MONDO:0010632, OMIM 308350. Disease mechanism: loss of function.
Intellectual disability, X-linked, with or without seizures, ARX-related. Also called: MENTAL RETARDATION, X-LINKED 29; MENTAL RETARDATION, X-LINKED 32; MENTAL RETARDATION, X-LINKED 33; MENTAL RETARDATION, X-LINKED 38; MENTAL RETARDATION, X-LINKED 43; MENTAL RETARDATION, X-LINKED 76. Identifiers: Orphanet 777, MedGen C0796244, MONDO:0010317, OMIM 300419.

Allele frequency attached by ClinVar (database versions not stated): gnomAD 0.00002; gnomAD exomes below 0.00001.

Submission:

Labcorp Genetics (formerly Invitae), Labcorp
Classification: Uncertain significance for Developmental and epileptic encephalopathy, 1; Intellectual disability, X-linked, with or without seizures, ARX-related. Last evaluated: 2025-10-27. Review status: criteria provided, single submitter. Criteria: Invitae Variant Classification Sherloc (09022015). Collection method: clinical testing. Allele origin: germline.
Comment: This sequence change replaces alanine, which is neutral and non-polar, with valine, which is neutral and non-polar, at codon 63 of the ARX protein (p.Ala63Val). The frequency data for this variant in the population databases is considered unreliable, as metrics indicate poor data quality at this position in the gnomAD database. This variant has not been reported in the literature in individuals affected with ARX-related conditions. ClinVar contains an entry for this variant (Variation ID: 2926653). Invitae Evidence Modeling of protein sequence and biophysical properties (such as structural, functional, and spatial information, amino acid conservation, physicochemical variation, residue mobility, and thermodynamic stability) indicates that this missense variant is not expected to disrupt ARX protein function with a negative predictive value of 95%. In summary, the available evidence is currently insufficient to determine the role of this variant in disease. Therefore, it has been classified as a Variant of Uncertain Significance.